The following is an entry in ClinVar:

NM_004036.5(ADCY3):c.2673G>C (p.Leu891Phe)

Gene: ADCY3 (adenylate cyclase 3; minus strand). Cytogenetic location: 2p23.3.
Variant type: single nucleotide variant.
Coding change: c.2673G>C on transcript NM_004036.5 (MANE Select); coding-DNA position 2673, G replaced by C.
Protein change: p.Leu891Phe; replaces leucine 891 with phenylalanine.
Molecular consequence: missense variant.
Genome position (GRCh38, 1-based): chr2:24,824,441, C>G on the plus strand (G>C on the coding strand, the complement: ADCY3 is on the minus strand). VCF-style: chr2-24824441-C-G. GRCh37 (hg19) VCF-style: chr2-25047310-C-G.
Other names: c.2676G>C, p.Leu892Phe (NM_001320613.2); c.2739G>C, p.Leu913Phe (NM_001377128.1); c.2535G>C, p.Leu845Phe (NM_001377129.1); c.2268G>C, p.Leu756Phe (NM_001377130.1); c.1950G>C, p.Leu650Phe (NM_001377131.1); c.2673G>C, p.Leu891Phe (NM_001377132.1); short protein forms L756F, L650F, L892F, L913F, L845F, L891F.
Identifiers: ClinVar variation 4988649 (VCV004988649.1).

ClinVar aggregate classification (germline): Uncertain significance (1 of 4 stars; one submission).

Conditions:
ADCY3-related disorder. Also called: ADCY3-related condition.

Submission:

PreventionGenetics, part of Exact Sciences
Classification: Uncertain significance for ADCY3-related condition. Last evaluated: 2025-06-30. Review status: criteria provided, single submitter. Criteria: ACMG Guidelines, 2015. Collection method: clinical testing. Allele origin: germline.
Comment: The ADCY3 c.2676G>C variant is predicted to result in the amino acid substitution p.Leu892Phe. To our knowledge, this variant has not been reported in the literature or in a large population database (gnomAD), indicating this variant is rare. At this time, the clinical significance of this variant is uncertain due to the absence of conclusive functional and genetic evidence.